The following is an entry in ClinVar:

NM_001243279.3(ACSF3):c.-29G>C

Gene: ACSF3 (acyl-CoA synthetase family member 3; plus strand). Cytogenetic location: 16q24.3.
Variant type: single nucleotide variant.
Coding change: c.-29G>C on transcript NM_001243279.3 (MANE Select); 29 bases upstream of the start codon, G replaced by C.
Molecular consequence: 5 prime UTR variant. On other transcripts: non-coding transcript variant (3), intron variant (2).
Genome position (GRCh38, 1-based): chr16:89,098,755, G>C. VCF-style: chr16-89098755-G-C. GRCh37 (hg19) VCF-style: chr16-89165163-G-C.
Other names: c.-29G>C (NM_174917.5); c.-20-1907G>C (NM_001127214.4); c.-129-3849G>C (NM_001284316.2).
Identifiers: ClinVar variation 389189 (VCV000389189.1), dbSNP rs148444044, ClinGen allele CA8237462.
Genomic context (GRCh38, chr16:89,098,755, plus strand): 5'-GCAGCTGTGCCTGCCGCTCTTGTGAACTGCGAACTTCCCCTTACCTCCTCTCTCTGGCTC[G>C]GGAGCTGGGTGAGTTTGAACTTGGCCTCCTTTGCTTTTCTGTGTGCGAACAAGTGGTTGC-3'

ClinVar aggregate classification (germline): Likely benign (1 of 4 stars; one submission).

Allele frequency attached by ClinVar (database versions not stated): 1000 Genomes Project 30x 0.00016; TOPMed 0.00018; 1000 Genomes Project 0.00020.
gnomAD v4.1: 50 of 454,126 alleles (0.011%); highest among the groups gnomAD compares: Middle Eastern, 0.069%; no homozygotes.

Submission:

GeneDx
Classification: Likely benign. Last evaluated: 2016-09-20. Review status: criteria provided, single submitter. Criteria: GeneDx Variant Classification (06012015). Collection method: clinical testing. Allele origin: germline. Affected: yes.
Comment: This variant is considered likely benign or benign based on one or more of the following criteria: it is a conservative change, it occurs at a poorly conserved position in the protein, it is predicted to be benign by multiple in silico algorithms, and/or has population frequency not consistent with disease.